The following is an entry in ClinVar:

ClinVar aggregate classification (germline): Uncertain significance. Review status: criteria provided, multiple submitters, no conflicts (2 of 4 stars). 2 submissions from 2 submitters: Uncertain significance (2). Last evaluated 2024-02-12.

Conditions:
Congenital primary aphakia. Also called: Anterior segment dysgenesis 2, multiple subtypes; ANTERIOR SEGMENT DYSGENESIS 2. Identifiers: Orphanet 83461, MedGen C1853230, MONDO:0012456, OMIM 610256.
Anterior segment dysgenesis. Also called: Ocular anterior segment dysgenesis. Identifiers: Orphanet 88632, MedGen C1862839, MONDO:0019503, HP:0007700.
Cardiovascular phenotype. Identifiers: MedGen CN230736.

Submissions (2):

Labcorp Genetics (formerly Invitae), Labcorp
Classification: Uncertain significance for Anterior segment dysgenesis; Congenital primary aphakia. Last evaluated: 2024-02-12. Review status: criteria provided, single submitter. Criteria: Invitae Variant Classification Sherloc (09022015). Collection method: clinical testing. Allele origin: germline.
Comment: This sequence change replaces alanine, which is neutral and non-polar, with glutamic acid, which is acidic and polar, at codon 45 of the FOXE3 protein (p.Ala45Glu). This variant is present in population databases (no rsID available, gnomAD 0.06%). This variant has not been reported in the literature in individuals affected with FOXE3-related conditions. ClinVar contains an entry for this variant (Variation ID: 2625492). Advanced modeling of protein sequence and biophysical properties (such as structural, functional, and spatial information, amino acid conservation, physicochemical variation, residue mobility, and thermodynamic stability) performed at Invitae indicates that this missense variant is not expected to disrupt FOXE3 protein function with a negative predictive value of 95%. In summary, the available evidence is currently insufficient to determine the role of this variant in disease. Therefore, it has been classified as a Variant of Uncertain Significance.

Ambry Genetics
Classification: Uncertain significance for Cardiovascular phenotype. Last evaluated: 2023-07-12. Review status: criteria provided, single submitter. Criteria: Ambry Variant Classification Scheme 2023. Collection method: clinical testing. Allele origin: germline.
Comment: The p.A45E variant (also known as c.134C>A), located in coding exon 1 of the FOXE3 gene, results from a C to A substitution at nucleotide position 134. The alanine at codon 45 is replaced by glutamic acid, an amino acid with dissimilar properties. This amino acid position is conserved. In addition, this alteration is predicted to be tolerated by in silico analysis. Since supporting evidence is limited at this time, the clinical significance of this alteration remains unclear.

NM_012186.3(FOXE3):c.134C>A (p.Ala45Glu)

Genes: FOXE3 (forkhead box E3; plus strand), LINC01389 (long independently transcribed non-coding RNA 1389; minus strand). Cytogenetic location: 1p33.
Variant type: single nucleotide variant.
Coding change: c.134C>A on transcript NM_012186.3 (MANE Select); coding-DNA position 134, C replaced by A.
Protein change: p.Ala45Glu; replaces alanine 45 with glutamic acid.
Molecular consequence: missense variant.
Genome position (GRCh38, 1-based): chr1:47,416,449, C>A. VCF-style: chr1-47416449-C-A. GRCh37 (hg19) VCF-style: chr1-47882121-C-A.
Other names: short protein forms A45E.
Identifiers: ClinVar variation 2625492 (VCV002625492.5), dbSNP rs999523224, ClinGen allele CA340249103.